The following is an entry in ClinVar:

NM_001111067.4(ACVR1):c.485T>C (p.Val162Ala)

Gene: ACVR1 (activin A receptor type 1; minus strand). Cytogenetic location: 2q24.1.
Variant type: single nucleotide variant.
Coding change: c.485T>C on transcript NM_001111067.4 (MANE Select); coding-DNA position 485, T replaced by C.
Protein change: p.Val162Ala; replaces valine 162 with alanine.
Molecular consequence: missense variant.
Genome position (GRCh38, 1-based): chr2:157,778,189, A>G on the plus strand (T>C on the coding strand, the complement: ACVR1 is on the minus strand). VCF-style: chr2-157778189-A-G. GRCh37 (hg19) VCF-style: chr2-158634701-A-G.
Other names: c.485T>C, p.Val162Ala (NM_001347664.1, NM_001347665.1, NM_001347666.1 and 3 more transcripts); short protein forms V162A.
Identifiers: ClinVar variation 1419617 (VCV001419617.6), dbSNP rs2105277872, ClinGen allele CA349192836.
Genomic context (GRCh38, chr2:157,778,189, plus strand): 5'-ACTGCTAAAGTGCTGTCTCCAACATTGGTGGTGATGAGCCCTTCGATAGTGCCATACTCC[A>G]CGTCTCGGGGATTGAGGCGTTCTTGGTTGCGCCTTTTAAATTTTCGGAGAGCAACTCCCA-3'
Protein context (NP_001104537.1, residues 152-172): RNQERLNPRD[Val162Ala]EYGTIEGLIT

ClinVar aggregate classification (germline): Uncertain significance (1 of 4 stars; one submission).

Allele frequency attached by ClinVar (database versions not stated): gnomAD exomes below 0.00001.
gnomAD v4.1: 1 of 1,612,660 alleles (0.000062%); highest among the groups gnomAD compares: Non-Finnish European, 0.000085%; no homozygotes.

Submission:

Labcorp Genetics (formerly Invitae), Labcorp
Classification: Uncertain significance. Last evaluated: 2022-08-16. Review status: criteria provided, single submitter. Criteria: Invitae Variant Classification Sherloc (09022015). Collection method: clinical testing. Allele origin: germline.
Comment: This sequence change replaces valine, which is neutral and non-polar, with alanine, which is neutral and non-polar, at codon 162 of the ACVR1 protein (p.Val162Ala). This variant is not present in population databases (gnomAD no frequency). This variant has not been reported in the literature in individuals affected with ACVR1-related conditions. ClinVar contains an entry for this variant (Variation ID: 1419617). Algorithms developed to predict the effect of missense changes on protein structure and function (SIFT, PolyPhen-2, Align-GVGD) all suggest that this variant is likely to be tolerated. In summary, the available evidence is currently insufficient to determine the role of this variant in disease. Therefore, it has been classified as a Variant of Uncertain Significance.